The following is an entry in ClinVar:

ClinVar aggregate classification (germline): Uncertain significance (1 of 4 stars; one submission).

Conditions:
Atrial septal defect 5 (ASD5). Identifiers: Orphanet 1478, MedGen C2748552, MONDO:0013011, OMIM 612794.
Hypertrophic cardiomyopathy 11. Also called: ACTC1-Related Familial Hypertrophic Cardiomyopathy. Identifiers: MedGen C2677506, MONDO:0012799, OMIM 612098.
Dilated cardiomyopathy 1R (CMD1R). Identifiers: Orphanet 154, Orphanet 54260, MedGen C3150681, MONDO:0013261, OMIM 613424.

Submission:

Labcorp Genetics (formerly Invitae), Labcorp
Classification: Uncertain significance for Dilated cardiomyopathy 1R; Hypertrophic cardiomyopathy 11; Atrial septal defect 5. Last evaluated: 2024-02-19. Review status: criteria provided, single submitter. Criteria: Invitae Variant Classification Sherloc (09022015). Collection method: clinical testing. Allele origin: germline.
Comment: This sequence change replaces serine, which is neutral and polar, with cysteine, which is neutral and slightly polar, at codon 147 of the ACTC1 protein (p.Ser147Cys). This variant is not present in population databases (gnomAD no frequency). This variant has not been reported in the literature in individuals affected with ACTC1-related conditions. ClinVar contains an entry for this variant (Variation ID: 2044786). Advanced modeling of protein sequence and biophysical properties (such as structural, functional, and spatial information, amino acid conservation, physicochemical variation, residue mobility, and thermodynamic stability) performed at Invitae indicates that this missense variant is not expected to disrupt ACTC1 protein function with a negative predictive value of 80%. In summary, the available evidence is currently insufficient to determine the role of this variant in disease. Therefore, it has been classified as a Variant of Uncertain Significance.

NM_005159.5(ACTC1):c.440C>G (p.Ser147Cys)

Genes: ACTC1 (actin alpha cardiac muscle 1; minus strand), GJD2-DT (GJD2 divergent transcript; plus strand). Cytogenetic location: 15q14.
Variant type: single nucleotide variant.
Coding change: c.440C>G on transcript NM_005159.5 (MANE Select); coding-DNA position 440, C replaced by G.
Protein change: p.Ser147Cys; replaces serine 147 with cysteine.
Molecular consequence: missense variant.
Genome position (GRCh38, 1-based): chr15:34,793,259, G>C on the plus strand (C>G on the coding strand, the complement: ACTC1 is on the minus strand). VCF-style: chr15-34793259-G-C. GRCh37 (hg19) VCF-style: chr15-35085460-G-C.
Other names: c.440C>G, p.Ser147Cys (NM_001406482.1, NM_001406483.1); c.305C>G, p.Ser102Cys (NM_001406484.1); short protein forms S102C, S147C.
Identifiers: ClinVar variation 2044786 (VCV002044786.4), dbSNP rs2504182518, ClinGen allele CA391631229.
Genomic context (GRCh38, chr15:34,793,259, plus strand): 5'-CTTGGGAATGTGATTCATCAGTAACTGTCCCCAGAGCCCAGCATACCTGTGGTACGGCCA[G>C]AAGCATACAGGGATAGCACTGCCTGGATGGCCACGTACATGGCAGGGACATTGAAGGTCT-3'
Protein context (NP_005150.1, residues 137-157): AIQAVLSLYA[Ser147Cys]GRTTGIVLDS